The following is an entry in ClinVar:

ClinVar aggregate classification (germline): Uncertain significance. Review status: criteria provided, multiple submitters, no conflicts (2 of 4 stars). 2 submissions from 2 submitters: Uncertain significance (2). Last evaluated 2024-05-07.

Conditions:
Inborn genetic diseases. Identifiers: MedGen C0950123, MeSH D030342.
2-aminoadipic 2-oxoadipic aciduria (AAKAD). Also called: Aminoadipic aciduria; ALPHA-AMINOADIPIC AND ALPHA-KETOADIPIC ACIDURIA. Identifiers: Orphanet 79154, MedGen C1859817, MONDO:0008774, OMIM 204750.

Allele frequency attached by ClinVar (database versions not stated): gnomAD 0.00002 and 0.00003; TOPMed 0.00002; gnomAD exomes 0.00005; ExAC 0.00007.
gnomAD v4.1: 71 of 1,614,022 alleles (0.0044%); highest among the groups gnomAD compares: South Asian, 0.054%; 1 homozygote.

Submissions (2):

Ambry Genetics
Classification: Uncertain significance for Inborn genetic diseases. Last evaluated: 2024-05-07. Review status: criteria provided, single submitter. Criteria: Ambry Variant Classification Scheme 2023. Collection method: clinical testing. Allele origin: germline.

Labcorp Genetics (formerly Invitae), Labcorp
Classification: Uncertain significance for 2-aminoadipic 2-oxoadipic aciduria. Last evaluated: 2023-11-14. Review status: criteria provided, single submitter. Criteria: Invitae Variant Classification Sherloc (09022015). Collection method: clinical testing. Allele origin: germline.
Comment: This sequence change replaces arginine, which is basic and polar, with cysteine, which is neutral and slightly polar, at codon 420 of the DHTKD1 protein (p.Arg420Cys). This variant is present in population databases (rs762746645, gnomAD 0.04%). This variant has not been reported in the literature in individuals affected with DHTKD1-related conditions. ClinVar contains an entry for this variant (Variation ID: 1428737). Advanced modeling of protein sequence and biophysical properties (such as structural, functional, and spatial information, amino acid conservation, physicochemical variation, residue mobility, and thermodynamic stability) performed at Invitae indicates that this missense variant is not expected to disrupt DHTKD1 protein function with a negative predictive value of 80%. In summary, the available evidence is currently insufficient to determine the role of this variant in disease. Therefore, it has been classified as a Variant of Uncertain Significance.

NM_018706.7(DHTKD1):c.1258C>T (p.Arg420Cys)

Gene: DHTKD1 (dehydrogenase E1 and transketolase domain containing 1; plus strand). Cytogenetic location: 10p14.
Variant type: single nucleotide variant.
Coding change: c.1258C>T on transcript NM_018706.7 (MANE Select); coding-DNA position 1258, C replaced by T.
Protein change: p.Arg420Cys; replaces arginine 420 with cysteine.
Molecular consequence: missense variant.
Genome position (GRCh38, 1-based): chr10:12,094,171, C>T. VCF-style: chr10-12094171-C-T. GRCh37 (hg19) VCF-style: chr10-12136170-C-T.
Other names: c.1258C>T (NM_018706.5); short protein forms R420C.
Identifiers: ClinVar variation 1428737 (VCV001428737.8), dbSNP rs762746645, ClinGen allele CA5407796.